The following is an entry in ClinVar:

NM_012463.4(ATP6V0A2):c.1291A>G (p.Asn431Asp)

Gene: ATP6V0A2 (ATPase H+ transporting V0 subunit a2; plus strand). Cytogenetic location: 12q24.31.
Variant type: single nucleotide variant.
Coding change: c.1291A>G on transcript NM_012463.4 (MANE Select); coding-DNA position 1291, A replaced by G.
Protein change: p.Asn431Asp; replaces asparagine 431 with aspartic acid.
Molecular consequence: missense variant.
Genome position (GRCh38, 1-based): chr12:123,744,302, A>G. VCF-style: chr12-123744302-A-G. GRCh37 (hg19) VCF-style: chr12-124228849-A-G.
Other names: short protein forms N431D.
Identifiers: ClinVar variation 2761550 (VCV002761550.3), dbSNP rs2541864321, ClinGen allele CA387156728.

ClinVar aggregate classification (germline): Uncertain significance (1 of 4 stars; one submission).

Conditions:
ALG9 congenital disorder of glycosylation (CDG1L). Also called: CDG Il; ALG9-CDG; CONGENITAL DISORDER OF GLYCOSYLATION, TYPE Il. Identifiers: Orphanet 79328, MedGen C2931006, MONDO:0012117, OMIM 608776.

Submission:

Labcorp Genetics (formerly Invitae), Labcorp
Classification: Uncertain significance for ALG9 congenital disorder of glycosylation. Last evaluated: 2023-09-19. Review status: criteria provided, single submitter. Criteria: Invitae Variant Classification Sherloc (09022015). Collection method: clinical testing. Allele origin: germline.
Comment: In summary, the available evidence is currently insufficient to determine the role of this variant in disease. Therefore, it has been classified as a Variant of Uncertain Significance. Advanced modeling of protein sequence and biophysical properties (such as structural, functional, and spatial information, amino acid conservation, physicochemical variation, residue mobility, and thermodynamic stability) performed at Invitae indicates that this missense variant is not expected to disrupt ATP6V0A2 protein function. This variant has not been reported in the literature in individuals affected with ATP6V0A2-related conditions. This variant is not present in population databases (gnomAD no frequency). This sequence change replaces asparagine, which is neutral and polar, with aspartic acid, which is acidic and polar, at codon 431 of the ATP6V0A2 protein (p.Asn431Asp).